The following is an entry in ClinVar:

NM_017654.4(SAMD9):c.4735G>A (p.Gly1579Arg)

Gene: SAMD9 (sterile alpha motif domain containing 9; minus strand). Cytogenetic location: 7q21.2.
Variant type: single nucleotide variant.
Coding change: c.4735G>A on transcript NM_017654.4 (MANE Select); coding-DNA position 4735, G replaced by A.
Protein change: p.Gly1579Arg; replaces glycine 1579 with arginine.
Molecular consequence: missense variant.
Genome position (GRCh38, 1-based): chr7:93,101,363, C>T on the plus strand (G>A on the coding strand, the complement: SAMD9 is on the minus strand). VCF-style: chr7-93101363-C-T. GRCh37 (hg19) VCF-style: chr7-92730676-C-T.
Other names: c.4735G>A, p.Gly1579Arg (NM_001193307.2); short protein forms G1579R.
Identifiers: ClinVar variation 3949568 (VCV003949568.1).

ClinVar aggregate classification (germline): Uncertain significance (1 of 4 stars; one submission).

Conditions:
Inborn genetic diseases. Identifiers: MedGen C0950123, MeSH D030342.

Submission:

Ambry Genetics
Classification: Uncertain significance for Inborn genetic diseases. Last evaluated: 2025-04-18. Review status: criteria provided, single submitter. Criteria: Ambry Variant Classification Scheme 2023. Collection method: clinical testing. Allele origin: germline.
Comment: The p.G1579R variant (also known as c.4735G>A), located in coding exon 1 of the SAMD9 gene, results from a G to A substitution at nucleotide position 4735. The glycine at codon 1579 is replaced by arginine, an amino acid with dissimilar properties. This amino acid position is conserved. In addition, this alteration is predicted to be tolerated by in silico analysis. Based on the available evidence, the clinical significance of this variant remains unclear.